The following is an entry in ClinVar:

NM_172362.3(KCNH1):c.1696G>A (p.Asp566Asn)

Gene: KCNH1 (potassium voltage-gated channel subfamily H member 1; minus strand). Cytogenetic location: 1q32.2.
Variant type: single nucleotide variant.
Coding change: c.1696G>A on transcript NM_172362.3 (MANE Select); coding-DNA position 1696, G replaced by A.
Protein change: p.Asp566Asn; replaces aspartic acid 566 with asparagine.
Molecular consequence: missense variant.
Genome position (GRCh38, 1-based): chr1:210,797,727, C>T on the plus strand (G>A on the coding strand, the complement: KCNH1 is on the minus strand). VCF-style: chr1-210797727-C-T. GRCh37 (hg19) VCF-style: chr1-210971069-C-T.
Other names: c.1615G>A, p.Asp539Asn (NM_002238.4); c.1696G>A (NM_172362.2); short protein forms D539N, D566N.
Identifiers: ClinVar variation 2727331 (VCV002727331.6), dbSNP rs768835601, ClinGen allele CA1379834.
Genomic context (GRCh38, chr1:210,797,727, plus strand): 5'-TGGCCAGCCGGAAGGCCGGGTGCTCCTTGAACACCTTGCGGTTCAGGTGCACGCAGATGT[C>T]GGCTCTCATGTCCTTGGGGCAGATCTGCAGGACCTAGCCAGGTACAGAAAAAAACAGTGT-3'
Protein context (NP_758872.1, residues 556-576): LQICPKDMRA[Asp566Asn]ICVHLNRKVF

ClinVar aggregate classification (germline): Uncertain significance. Review status: criteria provided, multiple submitters, no conflicts (2 of 4 stars). 3 submissions from 3 submitters: Uncertain significance (3). Last evaluated 2023-12-15.

Conditions:
Zimmermann-Laband syndrome 1 (ZLS1). Identifiers: Orphanet 3473, MedGen C4551773, MONDO:0024526, OMIM 135500.
Temple-Baraitser syndrome (TMBTS). Also called: Severe mental retardation and absent nails of hallux and pollex. Identifiers: Orphanet 420561, MedGen C2678486, MONDO:0012735, OMIM 611816.
Inborn genetic diseases. Identifiers: MedGen C0950123, MeSH D030342.

Allele frequency attached by ClinVar (database versions not stated): gnomAD exomes below 0.00001; ExAC 0.00001.
gnomAD v4.1: 5 of 1,613,962 alleles (0.00031%); highest among the groups gnomAD compares: Non-Finnish European, 0.00034%; no homozygotes.

Submissions (3):

Ambry Genetics
Classification: Uncertain significance for Inborn genetic diseases. Last evaluated: 2023-12-15. Review status: criteria provided, single submitter. Criteria: Ambry Variant Classification Scheme 2023. Collection method: clinical testing. Allele origin: germline.

Labcorp Genetics (formerly Invitae), Labcorp
Classification: Uncertain significance. Last evaluated: 2023-12-01. Review status: criteria provided, single submitter. Criteria: Invitae Variant Classification Sherloc (09022015). Collection method: clinical testing. Allele origin: germline.
Comment: This sequence change replaces aspartic acid, which is acidic and polar, with asparagine, which is neutral and polar, at codon 566 of the KCNH1 protein (p.Asp566Asn). This variant is present in population databases (rs768835601, gnomAD 0.002%). This variant has not been reported in the literature in individuals affected with KCNH1-related conditions. Advanced modeling of protein sequence and biophysical properties (such as structural, functional, and spatial information, amino acid conservation, physicochemical variation, residue mobility, and thermodynamic stability) has been performed at Invitae for this missense variant, however the output from this modeling did not meet the statistical confidence thresholds required to predict the impact of this variant on KCNH1 protein function. In summary, the available evidence is currently insufficient to determine the role of this variant in disease. Therefore, it has been classified as a Variant of Uncertain Significance.

Juno Genomics, Hangzhou Juno Genomics, Inc
Classification: Uncertain significance for Temple-Baraitser syndrome; Zimmermann-Laband syndrome 1. Review status: criteria provided, single submitter. Criteria: ACMG Guidelines, 2015. Collection method: clinical testing. Allele origin: germline.
Comment: Absent from controls (or at extremely low frequency if recessive) in Genome Aggregation Database.;Multiple lines of computational evidence support a deleterious effect on the gene or gene product.